The following is an entry in ClinVar:

NM_182916.3(TRNT1):c.148+843_148+844insTGACTCC

Gene: TRNT1 (tRNA nucleotidyl transferase 1; plus strand). Cytogenetic location: 3p26.2.
Variant type: Insertion.
Coding change: c.148+843_148+844insTGACTCC on transcript NM_182916.3 (MANE Select); bases 843 to 844 of the intron after coding-DNA position 148, TGACTCC inserted.
Molecular consequence: intron variant. On other transcripts: non-coding transcript variant (3).
Genome position: GRCh38 VCF-style: chr3-3130029-G-GCCTGACT. GRCh37 (hg19) VCF-style: chr3-3171713-G-GCCTGACT.
Other names: c.148+843_148+844insTGACTCC (NM_001367321.1, NM_001367323.1, NM_001367322.1 and 1 more transcripts).
Identifiers: ClinVar variation 2687992 (VCV002687992.2), dbSNP rs113671187, ClinGen allele CA68723658.

ClinVar aggregate classification (germline): Benign (1 of 4 stars; one submission).

Submission:

Unidad de Genómica Garrahan, Hospital de Pediatría Garrahan
Classification: Benign. Last evaluated: 2024-01-24. Review status: criteria provided, single submitter. Criteria: ACMG Guidelines, 2015. Collection method: clinical testing. Allele origin: germline. Affected: no. Observed: 95 variant alleles.
Comment: This variant is classified as Benign based on local population frequency. This variant was detected in 100% of patients studied by a panel of primary immunodeficiencies. Number of patients: 95. Only high quality variants are reported.